The following is an entry in ClinVar:

ClinVar aggregate classification (germline): Uncertain significance. Review status: criteria provided, multiple submitters, no conflicts (2 of 4 stars). 2 submissions from 2 submitters: Uncertain significance (2). Last evaluated 2025-02-17.

Allele frequency attached by ClinVar (database versions not stated): gnomAD exomes below 0.00001; gnomAD 0.00001.

Submissions (2):

Labcorp Genetics (formerly Invitae), Labcorp
Classification: Uncertain significance. Last evaluated: 2025-02-17. Review status: criteria provided, single submitter. Criteria: Invitae Variant Classification Sherloc (09022015). Collection method: clinical testing. Allele origin: germline.
Comment: This sequence change replaces tyrosine, which is neutral and polar, with cysteine, which is neutral and slightly polar, at codon 393 of the RINT1 protein (p.Tyr393Cys). This variant is not present in population databases (gnomAD no frequency). This variant has not been reported in the literature in individuals affected with RINT1-related conditions. ClinVar contains an entry for this variant (Variation ID: 2447119). An algorithm developed to predict the effect of missense changes on protein structure and function (PolyPhen-2) suggests that this variant is likely to be disruptive. In summary, the available evidence is currently insufficient to determine the role of this variant in disease. Therefore, it has been classified as a Variant of Uncertain Significance.

Ambry Genetics
Classification: Uncertain significance. Last evaluated: 2025-02-02. Review status: criteria provided, single submitter. Criteria: Ambry Variant Classification Scheme 2023. Collection method: clinical testing. Allele origin: germline.
Comment: The p.Y393C variant (also known as c.1178A>G), located in coding exon 9 of the RINT1 gene, results from an A to G substitution at nucleotide position 1178. The tyrosine at codon 393 is replaced by cysteine, an amino acid with highly dissimilar properties. This amino acid position is conserved. In addition, the in silico prediction for this alteration is inconclusive. Since supporting evidence is limited at this time, the clinical significance of this alteration remains unclear.

NM_021930.6(RINT1):c.1178A>G (p.Tyr393Cys)

Gene: RINT1 (RAD50 interactor 1; plus strand). Cytogenetic location: 7q22.3.
Variant type: single nucleotide variant.
Coding change: c.1178A>G on transcript NM_021930.6 (MANE Select); coding-DNA position 1178, A replaced by G.
Protein change: p.Tyr393Cys; replaces tyrosine 393 with cysteine.
Molecular consequence: missense variant. On other transcripts: non-coding transcript variant (1).
Genome position (GRCh38, 1-based): chr7:105,550,331, A>G. VCF-style: chr7-105550331-A-G. GRCh37 (hg19) VCF-style: chr7-105190778-A-G.
Other names: c.944A>G, p.Tyr315Cys (NM_001346599.2); c.155A>G, p.Tyr52Cys (NM_001346600.2, NM_001346603.2); c.254A>G, p.Tyr85Cys (NM_001346601.2); short protein forms Y393C, Y52C, Y315C, Y85C.
Identifiers: ClinVar variation 2447119 (VCV002447119.6), dbSNP rs1790872687, ClinGen allele CA368809050.